The following is an entry in ClinVar:

ClinVar aggregate classification (germline): Uncertain significance. Review status: criteria provided, multiple submitters, no conflicts (2 of 4 stars). 2 submissions from 2 submitters: Uncertain significance (2). Last evaluated 2025-12-08.

Conditions:
Inborn genetic diseases. Identifiers: MedGen C0950123, MeSH D030342.

Allele frequency attached by ClinVar (database versions not stated): gnomAD 0.00001; TOPMed 0.00001; gnomAD exomes 0.00004; ExAC 0.00006.
gnomAD v4.1: 30 of 1,613,754 alleles (0.0019%); highest among the groups gnomAD compares: East Asian, 0.0022%; no homozygotes.

Submissions (2):

Ambry Genetics
Classification: Uncertain significance for Inborn genetic diseases. Last evaluated: 2025-12-08. Review status: criteria provided, single submitter. Criteria: Ambry Variant Classification Scheme 2023. Collection method: clinical testing. Allele origin: germline.

Labcorp Genetics (formerly Invitae), Labcorp
Classification: Uncertain significance. Last evaluated: 2025-07-07. Review status: criteria provided, single submitter. Criteria: Invitae Variant Classification Sherloc (09022015). Collection method: clinical testing. Allele origin: germline.
Comment: This sequence change replaces arginine, which is basic and polar, with histidine, which is basic and polar, at codon 1154 of the COL7A1 protein (p.Arg1154His). This variant is present in population databases (rs201389550, gnomAD 0.007%). This variant has not been reported in the literature in individuals affected with COL7A1-related conditions. ClinVar contains an entry for this variant (Variation ID: 1419901). Invitae Evidence Modeling of protein sequence and biophysical properties (such as structural, functional, and spatial information, amino acid conservation, physicochemical variation, residue mobility, and thermodynamic stability) has been performed for this missense variant. However, the output from this modeling did not meet the statistical confidence thresholds required to predict the impact of this variant on COL7A1 protein function. In summary, the available evidence is currently insufficient to determine the role of this variant in disease. Therefore, it has been classified as a Variant of Uncertain Significance.

NM_000094.4(COL7A1):c.3461G>A (p.Arg1154His)

Gene: COL7A1 (collagen type VII alpha 1 chain; minus strand). Cytogenetic location: 3p21.31.
Variant type: single nucleotide variant.
Coding change: c.3461G>A on transcript NM_000094.4 (MANE Select); coding-DNA position 3461, G replaced by A.
Protein change: p.Arg1154His; replaces arginine 1154 with histidine.
Molecular consequence: missense variant.
Genome position (GRCh38, 1-based): chr3:48,586,421, C>T on the plus strand (G>A on the coding strand, the complement: COL7A1 is on the minus strand). VCF-style: chr3-48586421-C-T. GRCh37 (hg19) VCF-style: chr3-48623854-C-T.
Other names: c.3461G>A (NM_000094.3); short protein forms R1154H.
Identifiers: ClinVar variation 1419901 (VCV001419901.9), dbSNP rs201389550, ClinGen allele CA2380515.